The following is an entry in ClinVar:

ClinVar aggregate classification (germline): Uncertain significance (1 of 4 stars; one submission).

Conditions:
Dilated cardiomyopathy 1O (CMD1O). Also called: CARDIOMYOPATHY, DILATED, WITH VENTRICULAR TACHYCARDIA. Identifiers: Orphanet 154, MedGen C1837839, MONDO:0012062, OMIM 608569.

gnomAD v4.1: 5 of 1,582,816 alleles (0.00032%); highest among the groups gnomAD compares: Non-Finnish European, 0.00043%; no homozygotes.

Submission:

Labcorp Genetics (formerly Invitae), Labcorp
Classification: Uncertain significance for Dilated cardiomyopathy 1O. Last evaluated: 2024-03-23. Review status: criteria provided, single submitter. Criteria: Invitae Variant Classification Sherloc (09022015). Collection method: clinical testing. Allele origin: germline.
Comment: This sequence change falls in intron 34 of the ABCC9 gene. It does not directly change the encoded amino acid sequence of the ABCC9 protein. It affects a nucleotide within the consensus splice site. This variant is present in population databases (rs771019585, gnomAD 0.002%). This variant has not been reported in the literature in individuals affected with ABCC9-related conditions. Variants that disrupt the consensus splice site are a relatively common cause of aberrant splicing (PMID: 17576681, 9536098). Algorithms developed to predict the effect of sequence changes on RNA splicing suggest that this variant is not likely to affect RNA splicing. In summary, the available evidence is currently insufficient to determine the role of this variant in disease. Therefore, it has been classified as a Variant of Uncertain Significance.

Literature cited by the submitters: PubMed 17576681; PubMed 9536098.

NM_020297.4(ABCC9):c.4211+6T>C

Genes: ABCC9 (ATP binding cassette subfamily C member 9; minus strand), KCNJ8-AS1 (KCNJ8 antisense RNA 1; plus strand). Cytogenetic location: 12p12.1.
Variant type: single nucleotide variant.
Coding change: c.4211+6T>C on transcript NM_020297.4 (MANE Select); 6 bases into the intron after coding-DNA position 4211, T replaced by C.
Molecular consequence: intron variant.
Genome position (GRCh38, 1-based): chr12:21,812,043, A>G on the plus strand (T>C on the coding strand, the complement: ABCC9 is on the minus strand). VCF-style: chr12-21812043-A-G. GRCh37 (hg19) VCF-style: chr12-21964977-A-G.
Other names: c.3344+6T>C (NM_001377274.1); c.4211+6T>C (NM_005691.4, NM_001377273.1).
Identifiers: ClinVar variation 3628425 (VCV003628425.2).
Genomic context (GRCh38, chr12:21,812,043, plus strand): 5'-AAAACCTTTCTATGAGTCAAAGGCTAAATCCTAAGGCATACAGGTGTTGCTAAATATGTT[A>G]CCTACCTAATGGAACCACTGAATAGTATTGGATCCTGCAGAATGATTGAAAGTCTAGAAC-3'